The following is an entry in ClinVar:

NM_133379.5(TTN):c.12153C>T (p.Asp4051=)

Gene: TTN (titin; minus strand). Cytogenetic location: 2q31.2.
Variant type: single nucleotide variant.
Coding change: c.12153C>T on transcript NM_133379.5; coding-DNA position 12153, C replaced by T.
Protein change: p.Asp4051=; no amino-acid change (aspartic acid 4051 retained).
Molecular consequence: synonymous variant. On other transcripts: intron variant (6).
Genome position (GRCh38, 1-based): chr2:178,750,247, G>A on the plus strand (C>T on the coding strand, the complement: TTN is on the minus strand). VCF-style: chr2-178750247-G-A. GRCh37 (hg19) VCF-style: chr2-179614974-G-A.
Other names: c.10222+2877C>T (NM_003319.4); c.10798+2877C>T (NM_133437.4); c.10597+2877C>T (NM_133432.3); c.10360+2877C>T (NM_133378.4, NM_001256850.1); c.11311+2877C>T (NM_001267550.2).
Identifiers: ClinVar variation 228183 (VCV000228183.39), dbSNP rs200304872, ClinGen allele CA2003605.

ClinVar aggregate classification (germline): Likely benign. Review status: criteria provided, multiple submitters, no conflicts (2 of 4 stars). 2 submissions from 2 submitters: Likely benign (2). Last evaluated 2022-08-01.

Allele frequency attached by ClinVar (database versions not stated): gnomAD exomes 0.00004 and 0.00010; gnomAD 0.00011 and 0.00012; ExAC 0.00012; TOPMed 0.00024.
gnomAD v4.1: 67 of 1,613,064 alleles (0.0042%); highest among the groups gnomAD compares: East Asian, 0.11%; no homozygotes.

Submissions (2):

CeGaT Center for Human Genetics Tuebingen
Classification: Likely benign. Last evaluated: 2022-08-01. Review status: criteria provided, single submitter. Criteria: CeGaT Center For Human Genetics Tuebingen Variant Classification Criteria Version 2. Collection method: clinical testing. Allele origin: germline. Affected: yes. Observed: 1 variant allele.
Comment: TTN: BP4, BP7

Laboratory for Molecular Medicine, Mass General Brigham Personalized Medicine
Classification: Likely benign. Last evaluated: 2015-03-27. Review status: criteria provided, single submitter. Criteria: LMM Criteria. Collection method: clinical testing. Allele origin: germline. Observed: 1 variant allele.
Comment: p.Asp4051Asp in exon 45A of TTN: This variant is not expected to have clinical s ignificance because it does not alter an amino acid residue and is not located w ithin the splice consensus sequence. It has been identified in 0.1% (12/8584) of East Asian chromosomes by the Exome Aggregation Consortium (ExAC; dbSNP rs200304872).